The following is an entry in ClinVar:

ClinVar aggregate classification (germline): Likely benign. Review status: reviewed by expert panel (3 of 4 stars). 2 submissions from 2 submitters: Likely benign (1). 1 of the submissions does not count toward it. Last evaluated 2024-11-04.

Conditions:
Hereditary thrombocytopenia and hematological cancer predisposition syndrome associated with RUNX1. Also called: Familial Platelet Disorder with Propensity to Acute Myelogenous Leukemia; Familial thrombocytopenia with propensity to acute myelogenous leukemia; PLATELET DISORDER, ASPIRIN-LIKE; RUNX1 Familial Platelet Disorder with Associated Myeloid Malignancies. Identifiers: Orphanet 71290, MedGen C1832388, MeSH C563324, MONDO:0100083, OMIM 601399.
Hereditary thrombocytopenia and hematologic cancer predisposition syndrome. Identifiers: Orphanet 71290, MedGen CN281654, MONDO:0011071.

Submissions (2):

ClinGen Myeloid Malignancy Variant Curation Expert Panel
Classification: Likely benign for Hereditary thrombocytopenia and hematologic cancer predisposition syndrome. Last evaluated: 2024-11-04. Review status: reviewed by expert panel. Criteria: ClinGen MyeloMalig ACMG Specifications v2. Collection method: curation. Allele origin: germline. Inheritance: Autosomal dominant inheritance.
Comment: NM_001754.5(RUNX1):c.351+15A>C is an intronic variant which has a SpliceAI score ≤ 0.20 (0.0) (BP4). Evolutionary conservation algorithms predict the site as not being conserved (PhyloP score ≤ 2.0 (-1.35)) (BP7). This variant is completely absent from all population databases with at least 20x coverage for RUNX1 (PM2_supporting). In summary, this variant meets criteria to be classified as likely benign. ACMG/AMP criteria applied, as specified by the Myeloid Malignancy Variant Curation Expert Panel for RUNX1: BP4, BP7, PM2_supporting.

Labcorp Genetics (formerly Invitae), Labcorp
Classification: Likely benign for Hereditary thrombocytopenia and hematological cancer predisposition syndrome associated with RUNX1. Last evaluated: 2025-05-05. Review status: criteria provided, single submitter. Criteria: Invitae Variant Classification Sherloc (09022015). Collection method: clinical testing. Allele origin: germline. Not counted in ClinVar's aggregate classification.

NM_001754.5(RUNX1):c.351+15A>C

Gene: RUNX1 (RUNX family transcription factor 1; minus strand). Cytogenetic location: 21q22.12.
Variant type: single nucleotide variant.
Coding change: c.351+15A>C on transcript NM_001754.5 (MANE Select); 15 bases into the intron after coding-DNA position 351, A replaced by C.
Molecular consequence: intron variant.
Genome position (GRCh38, 1-based): chr21:34,886,828, T>G on the plus strand (A>C on the coding strand, the complement: RUNX1 is on the minus strand). VCF-style: chr21-34886828-T-G. GRCh37 (hg19) VCF-style: chr21-36259125-T-G.
Other names: c.270+15A>C (NM_001001890.3, NM_001122607.2).
Identifiers: ClinVar variation 2813415 (VCV002813415.4), dbSNP rs199881885, ClinGen allele CA2737529304.